The following is an entry in ClinVar:

ClinVar aggregate classification (germline): Uncertain significance (1 of 4 stars; one submission).

Conditions:
Ataxia-telangiectasia syndrome (AT). Also called: Cerebello-oculocutaneous telangiectasia; Immunodeficiency with ataxia telangiectasia; Ataxia telangiectasia (A-T); Ataxia-telangiectasia, complementation group E; LOUIS-BAR SYNDROME; Ataxia-telangiectasia. Identifiers: Orphanet 100, MedGen C0004135, MONDO:0008840, OMIM 208900.

Submission:

Labcorp Genetics (formerly Invitae), Labcorp
Classification: Uncertain significance for Ataxia-telangiectasia syndrome. Last evaluated: 2020-05-15. Review status: criteria provided, single submitter. Criteria: Invitae Variant Classification Sherloc (09022015). Collection method: clinical testing. Allele origin: germline.
Comment: This variant has not been reported in the literature in individuals with ATM-related disease. In summary, the available evidence is currently insufficient to determine the role of this variant in disease. Therefore, it has been classified as a Variant of Uncertain Significance. Algorithms developed to predict the effect of missense changes on protein structure and function (SIFT, PolyPhen-2, Align-GVGD) all suggest that this variant is likely to be disruptive, but these predictions have not been confirmed by published functional studies and their clinical significance is uncertain. This variant is not present in population databases (ExAC no frequency). This sequence change replaces isoleucine with asparagine at codon 415 of the ATM protein (p.Ile415Asn). The isoleucine residue is moderately conserved and there is a large physicochemical difference between isoleucine and asparagine.

NM_000051.4(ATM):c.1244T>A (p.Ile415Asn)

Gene: ATM (ATM serine/threonine kinase; plus strand). Cytogenetic location: 11q22.3.
Variant type: single nucleotide variant.
Coding change: c.1244T>A on transcript NM_000051.4 (MANE Select); coding-DNA position 1244, T replaced by A.
Protein change: p.Ile415Asn; replaces isoleucine 415 with asparagine.
Molecular consequence: missense variant.
Genome position (GRCh38, 1-based): chr11:108,250,709, T>A. VCF-style: chr11-108250709-T-A. GRCh37 (hg19) VCF-style: chr11-108121436-T-A.
Other names: c.1244T>A, p.Ile415Asn (NM_001351834.2); short protein forms I415N.
Identifiers: ClinVar variation 581012 (VCV000581012.8), dbSNP rs1565381748, ClinGen allele CA382533188.
Genomic context (GRCh38, chr11:108,250,709, plus strand): 5'-TTTGTTAATGTGATGGAATAGTTTTCAAATTATCCTTTTTTTTTTTTTTTAGGCTACAGA[T>A]TGCAACCCAATTAATATCAAAGTATCCTGCAAGTTTACCTAACTGTGAGCTGTCTCCATT-3'
Protein context (NP_000042.3, residues 405-425): NDFDLVPWLQ[Ile415Asn]ATQLISKYPA